The following is an entry in ClinVar:

NM_000370.3(TTPA):c.7G>A (p.Glu3Lys)

Gene: TTPA (alpha tocopherol transfer protein; minus strand). Cytogenetic location: 8q12.3.
Variant type: single nucleotide variant.
Coding change: c.7G>A on transcript NM_000370.3 (MANE Select); coding-DNA position 7, G replaced by A.
Protein change: p.Glu3Lys; replaces glutamic acid 3 with lysine.
Molecular consequence: missense variant. On other transcripts: non-coding transcript variant (3).
Genome position (GRCh38, 1-based): chr8:63,086,015, C>T on the plus strand (G>A on the coding strand, the complement: TTPA is on the minus strand). VCF-style: chr8-63086015-C-T. GRCh37 (hg19) VCF-style: chr8-63998574-C-T.
Other names: c.7G>A, p.Glu3Lys (NM_001413414.1, NM_001413415.1, NM_001413416.1 and 2 more transcripts); short protein forms E3K.
Identifiers: ClinVar variation 3774310 (VCV003774310.1).

ClinVar aggregate classification (germline): Uncertain significance (1 of 4 stars; one submission).

gnomAD v4.1: 8 of 1,432,630 alleles (0.00056%); highest among the groups gnomAD compares: East Asian, 0.024%; no homozygotes.

Submission:

GeneDx
Classification: Uncertain significance. Last evaluated: 2024-09-24. Review status: criteria provided, single submitter. Criteria: GeneDx Variant Classification Process June 2021. Collection method: clinical testing. Allele origin: germline. Affected: yes.
Comment: Not observed at significant frequency in large population cohorts (gnomAD); In silico analysis indicates that this missense variant does not alter protein structure/function; Has not been previously published as pathogenic or benign to our knowledge